The following is an entry in ClinVar:

ClinVar aggregate classification (germline): Uncertain significance (1 of 4 stars; one submission).

Conditions:
RASopathy. Also called: Noonan spectrum disorder; rasopathies. Identifiers: Orphanet 536391, MedGen C5555857, MONDO:0021060.

Submission:

Labcorp Genetics (formerly Invitae), Labcorp
Classification: Uncertain significance for RASopathy. Last evaluated: 2024-02-24. Review status: criteria provided, single submitter. Criteria: Invitae Variant Classification Sherloc (09022015). Collection method: clinical testing. Allele origin: germline.
Comment: This sequence change replaces methionine, which is neutral and non-polar, with isoleucine, which is neutral and non-polar, at codon 581 of the SHOC2 protein (p.Met581Ile). This variant is not present in population databases (gnomAD no frequency). This variant has not been reported in the literature in individuals affected with SHOC2-related conditions. ClinVar contains an entry for this variant (Variation ID: 1996415). Advanced modeling of protein sequence and biophysical properties (such as structural, functional, and spatial information, amino acid conservation, physicochemical variation, residue mobility, and thermodynamic stability) performed at Invitae indicates that this missense variant is not expected to disrupt SHOC2 protein function with a negative predictive value of 80%. In summary, the available evidence is currently insufficient to determine the role of this variant in disease. Therefore, it has been classified as a Variant of Uncertain Significance.

NM_007373.4(SHOC2):c.1743G>A (p.Met581Ile)

Gene: SHOC2 (SHOC2 leucine rich repeat scaffold protein; plus strand). Cytogenetic location: 10q25.2.
Variant type: single nucleotide variant.
Coding change: c.1743G>A on transcript NM_007373.4 (MANE Select); coding-DNA position 1743, G replaced by A.
Protein change: p.Met581Ile; replaces methionine 581 with isoleucine.
Molecular consequence: missense variant. On other transcripts: non-coding transcript variant (1).
Genome position (GRCh38, 1-based): chr10:111,011,812, G>A. VCF-style: chr10-111011812-G-A. GRCh37 (hg19) VCF-style: chr10-112771570-G-A.
Other names: c.1605G>A, p.Met535Ile (NM_001269039.3); c.1743G>A, p.Met581Ile (NM_001324336.2, NM_001324337.2); short protein forms M535I, M581I.
Identifiers: ClinVar variation 1996415 (VCV001996415.4), dbSNP rs1214472538, ClinGen allele CA378526831.